The following is an entry in ClinVar:

ClinVar aggregate classification (germline): Uncertain significance (1 of 4 stars; one submission).

Submission:

Ambry Genetics
Classification: Uncertain significance. Last evaluated: 2021-12-10. Review status: criteria provided, single submitter. Criteria: Ambry Variant Classification Scheme 2023. Collection method: clinical testing. Allele origin: germline.
Comment: The p.P323T variant (also known as c.967C>A), located in coding exon 2 of the BCLAF1 gene, results from a C to A substitution at nucleotide position 967. The proline at codon 323 is replaced by threonine, an amino acid with highly similar properties. This amino acid position is conserved. In addition, this alteration is predicted to be tolerated by in silico analysis. Since supporting evidence is limited at this time, the clinical significance of this alteration remains unclear.

NM_014739.3(BCLAF1):c.967C>A (p.Pro323Thr)

Gene: BCLAF1 (BCL2 associated transcription factor 1; minus strand). Cytogenetic location: 6q23.3.
Variant type: single nucleotide variant.
Coding change: c.967C>A on transcript NM_014739.3 (MANE Select); coding-DNA position 967, C replaced by A.
Protein change: p.Pro323Thr; replaces proline 323 with threonine.
Molecular consequence: missense variant. On other transcripts: non-coding transcript variant (7).
Genome position (GRCh38, 1-based): chr6:136,277,914, G>T on the plus strand (C>A on the coding strand, the complement: BCLAF1 is on the minus strand). VCF-style: chr6-136277914-G-T. GRCh37 (hg19) VCF-style: chr6-136599052-G-T.
Other names: c.961C>A, p.Pro321Thr (NM_001077440.3, NM_001301038.3, NM_001386696.1 and 2 more transcripts); c.967C>A, p.Pro323Thr (NM_001077441.3, NM_001363659.3, NM_001386693.1 and 8 more transcripts); short protein forms P321T, P323T.
Identifiers: ClinVar variation 1767759 (VCV001767759.2), dbSNP rs777255996, ClinGen allele CA365756157.